The following is an entry in ClinVar:

NM_032043.3(BRIP1):c.736A>T (p.Ile246Leu)

Gene: BRIP1 (BRCA1 interacting DNA helicase 1; minus strand). Cytogenetic location: 17q23.2.
Variant type: single nucleotide variant.
Coding change: c.736A>T on transcript NM_032043.3 (MANE Select); coding-DNA position 736, A replaced by T.
Protein change: p.Ile246Leu; replaces isoleucine 246 with leucine.
Molecular consequence: missense variant.
Genome position (GRCh38, 1-based): chr17:61,808,649, T>A on the plus strand (A>T on the coding strand, the complement: BRIP1 is on the minus strand). VCF-style: chr17-61808649-T-A. GRCh37 (hg19) VCF-style: chr17-59886010-T-A.
Other names: short protein forms I246L.
Identifiers: ClinVar variation 1357085 (VCV001357085.11), dbSNP rs376893571, ClinGen allele CA400485020.

ClinVar aggregate classification (germline): Uncertain significance. Review status: criteria provided, multiple submitters, no conflicts (2 of 4 stars). 2 submissions from 2 submitters: Uncertain significance (2). Last evaluated 2023-11-14.

Conditions:
Hereditary cancer-predisposing syndrome. Also called: Hereditary Cancer Syndrome; Hereditary neoplastic syndrome; Tumor predisposition; Neoplastic Syndromes, Hereditary. Identifiers: Orphanet 140162, MedGen C0027672, MeSH D009386, MONDO:0015356.
Familial cancer of breast. Also called: BREAST CANCER, FAMILIAL; hereditary breast carcinoma; Hereditary breast cancer. Identifiers: Orphanet 227535, MedGen C0346153, MONDO:0016419, OMIM 114480. Disease mechanism: loss of function.
Fanconi anemia complementation group J. Also called: BRIP1-Related Fanconi Anemia. Identifiers: Orphanet 84, MedGen C1836860, MONDO:0012187, OMIM 609054.

Submissions (2):

Labcorp Genetics (formerly Invitae), Labcorp
Classification: Uncertain significance for Familial cancer of breast; Fanconi anemia complementation group J. Last evaluated: 2023-11-14. Review status: criteria provided, single submitter. Criteria: Invitae Variant Classification Sherloc (09022015). Collection method: clinical testing. Allele origin: germline.
Comment: This sequence change replaces isoleucine, which is neutral and non-polar, with leucine, which is neutral and non-polar, at codon 246 of the BRIP1 protein (p.Ile246Leu). This variant is not present in population databases (gnomAD no frequency). This variant has not been reported in the literature in individuals affected with BRIP1-related conditions. ClinVar contains an entry for this variant (Variation ID: 1357085). Advanced modeling of protein sequence and biophysical properties (such as structural, functional, and spatial information, amino acid conservation, physicochemical variation, residue mobility, and thermodynamic stability) performed at Invitae indicates that this missense variant is expected to disrupt BRIP1 protein function with a positive predictive value of 80%. In summary, the available evidence is currently insufficient to determine the role of this variant in disease. Therefore, it has been classified as a Variant of Uncertain Significance.

Ambry Genetics
Classification: Uncertain significance for Hereditary cancer-predisposing syndrome. Last evaluated: 2021-06-08. Review status: criteria provided, single submitter. Criteria: Ambry Variant Classification Scheme 2023. Collection method: clinical testing. Allele origin: germline.
Comment: The p.I246L variant (also known as c.736A>T), located in coding exon 6 of the BRIP1 gene, results from an A to T substitution at nucleotide position 736. The isoleucine at codon 246 is replaced by leucine, an amino acid with highly similar properties. This amino acid position is highly conserved in available vertebrate species. In addition, the in silico prediction for this alteration is inconclusive. Since supporting evidence is limited at this time, the clinical significance of this alteration remains unclear.